The following is an entry in ClinVar:

ClinVar aggregate classification (germline): Uncertain significance. Review status: criteria provided, multiple submitters, no conflicts (2 of 4 stars). 3 submissions from 3 submitters: Uncertain significance (3). Last evaluated 2025-06-20.

Conditions:
Inborn genetic diseases. Identifiers: MedGen C0950123, MeSH D030342.

Allele frequency attached by ClinVar (database versions not stated): ExAC 0.00001; gnomAD exomes 0.00002; gnomAD 0.00003 and 0.00004; TOPMed 0.00003; ESP Exome Variant Server 0.00008.
gnomAD v4.1: 38 of 1,613,522 alleles (0.0024%); highest among the groups gnomAD compares: Non-Finnish European, 0.003%; no homozygotes.

Submissions (3):

GeneDx
Classification: Uncertain significance. Last evaluated: 2025-06-20. Review status: criteria provided, single submitter. Criteria: GeneDx Variant Classification Process June 2021. Collection method: clinical testing. Allele origin: germline.
Comment: In silico analysis supports that this missense variant has a deleterious effect on protein structure/function; Has not been previously published as pathogenic or benign to our knowledge

Ambry Genetics
Classification: Uncertain significance for Inborn genetic diseases. Last evaluated: 2024-03-18. Review status: criteria provided, single submitter. Criteria: Ambry Variant Classification Scheme 2023. Collection method: clinical testing. Allele origin: germline.

HudsonAlpha Institute for Biotechnology
Classification: Uncertain significance. Last evaluated: 2021-07-06. Review status: criteria provided, single submitter. Criteria: ACMG Guidelines, 2015. Collection method: research. Allele origin: paternal. Observed: 1 variant allele. Study: HudsonAlpha-AGHI-WGS.
Comment: ACMG codes:PM2

NM_006828.4(ASCC3):c.281C>T (p.Ala94Val)

Gene: ASCC3 (activating signal cointegrator 1 complex subunit 3; minus strand). Cytogenetic location: 6q16.3.
Variant type: single nucleotide variant.
Coding change: c.281C>T on transcript NM_006828.4 (MANE Select); coding-DNA position 281, C replaced by T.
Protein change: p.Ala94Val; replaces alanine 94 with valine.
Molecular consequence: missense variant.
Genome position (GRCh38, 1-based): chr6:100,848,668, G>A on the plus strand (C>T on the coding strand, the complement: ASCC3 is on the minus strand). VCF-style: chr6-100848668-G-A. GRCh37 (hg19) VCF-style: chr6-101296544-G-A.
Other names: c.281C>T (NM_006828.2); c.281C>T, p.Ala94Val (NM_001284271.2); short protein forms A94V.
Identifiers: ClinVar variation 1251949 (VCV001251949.4), dbSNP rs143119831, ClinGen allele CA3939060.